The following is an entry in ClinVar:

ClinVar aggregate classification (germline): Pathogenic (1 of 4 stars; one submission).

Submission:

Labcorp Genetics (formerly Invitae), Labcorp
Classification: Pathogenic. Last evaluated: 2023-04-30. Review status: criteria provided, single submitter. Criteria: Invitae Variant Classification Sherloc (09022015). Collection method: clinical testing. Allele origin: germline.
Comment: This sequence change creates a premature translational stop signal (p.Thr806Asnfs*3) in the CAD gene. It is expected to result in an absent or disrupted protein product. Loss-of-function variants in CAD are known to be pathogenic (PMID: 28007989, 32117025, 32820246, 33497533). This variant is not present in population databases (gnomAD no frequency). This variant has not been reported in the literature in individuals affected with CAD-related conditions. For these reasons, this variant has been classified as Pathogenic.

Literature cited by the submitters: PubMed 28007989; PubMed 32117025; PubMed 32820246; PubMed 33497533.

NM_004341.5(CAD):c.2414dup (p.Thr806fs)

Genes: CAD (carbamoyl-phosphate synthetase 2, aspartate transcarbamylase, and dihydroorotase; plus strand), LOC126806171 (BRD4-independent group 4 enhancer GRCh37_chr2:27454350-27455549; plus strand). Cytogenetic location: 2p23.3.
Variant type: Duplication.
Coding change: c.2414dup on transcript NM_004341.5 (MANE Select); coding-DNA position 2414, one base duplicated (C; older notation c.2414dupC).
Protein change: p.Thr806fs; shifts the reading frame from threonine 806.
Molecular consequence: frameshift variant.
Genome position (GRCh38, 1-based): chr2:27,231,993, C duplicated; the last of 2 consecutive C bases (chr2:27,231,992-27,231,993); duplicating either gives the same sequence. VCF-style (leftmost placement, unchanged base first): chr2-27231991-T-TC. GRCh37 (hg19) VCF-style: chr2-27454859-T-TC.
Other names: c.2225dup, p.Thr743fs (NM_001306079.2); short protein forms T806fs, T743fs.
Identifiers: ClinVar variation 2860782 (VCV002860782.3), dbSNP rs2465324851, ClinGen allele CA2739274180.